The following is an entry in ClinVar:

NM_001040108.2(MLH3):c.3719C>T (p.Ser1240Phe)

Gene: MLH3 (mutL homolog 3; minus strand). Cytogenetic location: 14q24.3.
Variant type: single nucleotide variant.
Coding change: c.3719C>T on transcript NM_001040108.2 (MANE Select); coding-DNA position 3719, C replaced by T.
Protein change: p.Ser1240Phe; replaces serine 1240 with phenylalanine.
Molecular consequence: missense variant.
Genome position (GRCh38, 1-based): chr14:75,032,176, G>A on the plus strand (C>T on the coding strand, the complement: MLH3 is on the minus strand). VCF-style: chr14-75032176-G-A. GRCh37 (hg19) VCF-style: chr14-75498879-G-A.
Other names: c.3647C>T, p.Ser1216Phe (NM_014381.3); short protein forms S1216F, S1240F.
Identifiers: ClinVar variation 5024564 (VCV005024564.1).

ClinVar aggregate classification (germline): Uncertain significance (1 of 4 stars; one submission).

Submission:

Ambry Genetics
Classification: Uncertain significance. Last evaluated: 2026-06-15. Review status: criteria provided, single submitter. Criteria: Ambry Variant Classification Scheme 2023. Collection method: clinical testing. Allele origin: germline.
Comment: The p.S1240F variant (also known as c.3719C>T), located in coding exon 7 of the MLH3 gene, results from a C to T substitution at nucleotide position 3719. The serine at codon 1240 is replaced by phenylalanine, an amino acid with highly dissimilar properties. This amino acid position is conserved. In addition, this alteration is predicted to be deleterious by in silico analysis. Based on the available evidence, the clinical significance of this variant remains unclear.